The following is an entry in ClinVar:

ClinVar aggregate classification (germline): Uncertain significance (1 of 4 stars; one submission).

Submission:

Labcorp Genetics (formerly Invitae), Labcorp
Classification: Uncertain significance. Last evaluated: 2022-11-01. Review status: criteria provided, single submitter. Criteria: Invitae Variant Classification Sherloc (09022015). Collection method: clinical testing. Allele origin: germline.
Comment: This variant has not been reported in the literature in individuals affected with SLC25A4-related conditions. In summary, the available evidence is currently insufficient to determine the role of this variant in disease. Therefore, it has been classified as a Variant of Uncertain Significance. This variant is not present in population databases (gnomAD no frequency). This variant, c.283_288dup, results in the insertion of 2 amino acid(s) of the SLC25A4 protein (p.Tyr95_Lys96dup), but otherwise preserves the integrity of the reading frame.

NM_001151.4(SLC25A4):c.283_288dup (p.Lys96_Gln97insTyrLys)

Gene: SLC25A4 (solute carrier family 25 member 4; plus strand). Cytogenetic location: 4q35.1.
Variant type: Duplication.
Coding change: c.283_288dup on transcript NM_001151.4 (MANE Select); coding-DNA positions 283 to 288, 6 bases duplicated (TACAAG; older notation c.283_288dupTACAAG).
Protein change: p.Lys96_Gln97insTyrLys.
Molecular consequence: inframe insertion.
Genome position (GRCh38, 1-based): chr4:185,144,935-185,144,940, TACAAG duplicated; duplicating any 6 consecutive bases within chr4:185,144,930-185,144,940 gives the same sequence; the c. name uses the placement nearest the transcript's 3' end. VCF-style (leftmost placement, unchanged base first): chr4-185144929-G-GACAAGT. GRCh37 (hg19) VCF-style: chr4-186066083-G-GACAAGT.
Identifiers: ClinVar variation 2118909 (VCV002118909.4), dbSNP rs2477168818, ClinGen allele CA2580071729.
Genomic context (GRCh38, chr4:185,144,929, plus strand): 5'-GGTAACCTGGCCAACGTGATCCGTTACTTCCCCACCCAAGCTCTCAACTTCGCCTTCAAG[G>GACAAGT]ACAAGTACAAGCAGCTCTTCTTAGGGGGTGTGGATCGGCATAAGCAGTTCTGGCGCTACT-3'